The following is an entry in ClinVar:

ClinVar aggregate classification (germline): Likely benign. Review status: criteria provided, multiple submitters, no conflicts (2 of 4 stars). 2 submissions from 2 submitters: Likely benign (2). Last evaluated 2025-06-15.

Conditions:
SEMA3E-related disorder. Also called: SEMA3E-related condition.
CHARGE syndrome (CHARGE). Also called: Hittner Hirsch Kreh syndrome; CHARGE ASSOCIATION--COLOBOMA, HEART ANOMALY, CHOANAL ATRESIA, RETARDATION, GENITAL AND EAR ANOMALIES; Coloboma, heart anomaly, choanal atresia, retardation, genital and ear anomalies; CHARGE association; Hall-Hittner syndrome. Identifiers: Orphanet 138, MedGen C0265354, MONDO:0008965.

gnomAD v4.1: 1 of 1,613,686 alleles (0.000062%); no homozygotes.

Submissions (2):

PreventionGenetics, part of Exact Sciences
Classification: Likely benign for SEMA3E-related condition. Last evaluated: 2025-06-15. Review status: criteria provided, single submitter. Criteria: ACMG Guidelines, 2015. Collection method: clinical testing. Allele origin: germline.
Comment: This variant is classified as likely benign based on ACMG/AMP sequence variant interpretation guidelines (Richards et al. 2015 PMID: 25741868, with internal and published modifications).

Labcorp Genetics (formerly Invitae), Labcorp
Classification: Likely benign for CHARGE syndrome. Last evaluated: 2023-10-23. Review status: criteria provided, single submitter. Criteria: Invitae Variant Classification Sherloc (09022015). Collection method: clinical testing. Allele origin: germline.

NM_012431.3(SEMA3E):c.1557T>C (p.Cys519=)

Gene: SEMA3E (semaphorin 3E; minus strand). Cytogenetic location: 7q21.11.
Variant type: single nucleotide variant.
Coding change: c.1557T>C on transcript NM_012431.3 (MANE Select); coding-DNA position 1557, T replaced by C.
Protein change: p.Cys519=; no amino-acid change (cysteine 519 retained).
Molecular consequence: synonymous variant.
Genome position (GRCh38, 1-based): chr7:83,392,665, A>G on the plus strand (T>C on the coding strand, the complement: SEMA3E is on the minus strand). VCF-style: chr7-83392665-A-G. GRCh37 (hg19) VCF-style: chr7-83021981-A-G.
Other names: c.1557T>C (NM_012431.2); c.1377T>C, p.Cys459= (NM_001178129.2).
Identifiers: ClinVar variation 2998341 (VCV002998341.4), dbSNP rs1255859450, ClinGen allele CA456133492.